The following is an entry in ClinVar:

ClinVar aggregate classification (germline): Uncertain significance (1 of 4 stars; one submission).

Submission:

Labcorp Genetics (formerly Invitae), Labcorp
Classification: Uncertain significance. Last evaluated: 2024-03-11. Review status: criteria provided, single submitter. Criteria: Invitae Variant Classification Sherloc (09022015). Collection method: clinical testing. Allele origin: germline.
Comment: This sequence change replaces serine, which is neutral and polar, with phenylalanine, which is neutral and non-polar, at codon 620 of the CSF1R protein (p.Ser620Phe). This variant is not present in population databases (gnomAD no frequency). This variant has not been reported in the literature in individuals affected with CSF1R-related conditions. ClinVar contains an entry for this variant (Variation ID: 1378514). An algorithm developed to predict the effect of missense changes on protein structure and function (PolyPhen-2) suggests that this variant is likely to be disruptive. In summary, the available evidence is currently insufficient to determine the role of this variant in disease. Therefore, it has been classified as a Variant of Uncertain Significance.

NM_001288705.3(CSF1R):c.1859C>T (p.Ser620Phe)

Gene: CSF1R (colony stimulating factor 1 receptor; minus strand). Cytogenetic location: 5q32.
Variant type: single nucleotide variant.
Coding change: c.1859C>T on transcript NM_001288705.3 (MANE Select); coding-DNA position 1859, C replaced by T.
Protein change: p.Ser620Phe; replaces serine 620 with phenylalanine.
Molecular consequence: missense variant. On other transcripts: non-coding transcript variant (2).
Genome position (GRCh38, 1-based): chr5:150,060,972, G>A on the plus strand (C>T on the coding strand, the complement: CSF1R is on the minus strand). VCF-style: chr5-150060972-G-A. GRCh37 (hg19) VCF-style: chr5-149440535-G-A.
Other names: c.1859C>T, p.Ser620Phe (NM_001349736.2, NM_001375320.1, NM_005211.4); c.1415C>T, p.Ser472Phe (NM_001375321.1); short protein forms S620F, S472F.
Identifiers: ClinVar variation 1378514 (VCV001378514.6), dbSNP rs2113790350, ClinGen allele CA361713964.